The following is an entry in ClinVar:

ClinVar aggregate classification (germline): Likely benign. Review status: criteria provided, multiple submitters, no conflicts (2 of 4 stars). 2 submissions from 2 submitters: Likely benign (2). Last evaluated 2024-04-16.

Conditions:
Malignant hyperthermia, susceptibility to, 1 (MHS1). Also called: Anesthesia related hyperthermia; Malignant hyperpyrexia; Fulminating hyperpyrexia; Pharmacogenic myopathy; Malignant hyperthermia suceptibility 1; RYR1-Related Malignant Hyperthermia Susceptibility. Identifiers: Orphanet 423, MedGen C2930980, MONDO:0007783, OMIM 145600.

gnomAD v4.1: 2 of 1,613,850 alleles (0.00012%); highest among the groups gnomAD compares: Non-Finnish European, 0.00017%; no homozygotes.

Submissions (2):

All of Us Research Program, National Institutes of Health
Classification: Likely benign for Malignant hyperthermia, susceptibility to, 1. Last evaluated: 2024-04-16. Review status: criteria provided, single submitter. Criteria: ACMG Guidelines, 2015. Collection method: clinical testing. Allele origin: germline. Inheritance: Autosomal dominant inheritance. Observed: 1 variant allele, 1 heterozygote.
Comment: This study involves interpretation of variants in research participants for the purpose of population health screening. Participant phenotype was not available at the time of variant classification. Additional details can be found in publication PMID: 35346344, PMCID: PMC8962531

Color Diagnostics, LLC DBA Color Health
Classification: Likely benign for Malignant hyperthermia, susceptibility to, 1. Last evaluated: 2024-04-03. Review status: criteria provided, single submitter. Criteria: ACMG Guidelines, 2015. Collection method: clinical testing. Allele origin: germline.

NM_000540.3(RYR1):c.10512T>C (p.Ser3504=)

Gene: RYR1 (ryanodine receptor 1; plus strand). Cytogenetic location: 19q13.2.
Variant type: single nucleotide variant.
Coding change: c.10512T>C on transcript NM_000540.3 (MANE Select); coding-DNA position 10512, T replaced by C.
Protein change: p.Ser3504=; no amino-acid change (serine 3504 retained).
Molecular consequence: synonymous variant.
Genome position (GRCh38, 1-based): chr19:38,525,388, T>C. VCF-style: chr19-38525388-T-C. GRCh37 (hg19) VCF-style: chr19-39016028-T-C.
Other names: c.10497T>C, p.Ser3499= (NM_001042723.2).
Identifiers: ClinVar variation 3385535 (VCV003385535.2).
Genomic context (GRCh38, chr19:38,525,388, plus strand): 5'-ACAGTCCGGTGGCTCGGACCAGGAACGCACCAAGAAGAAGCGCCGGGGGGACCGGTACTC[T>C]GTGCAGACGTCACTGATCGTGGCCACACTGAAGAAGATGCTGCCCATCGGCCTGAATATG-3'
Protein context (NP_000531.2, residues 3494-3514): TKKKRRGDRY[Ser3504=]VQTSLIVATL